The following is an entry in ClinVar:

ClinVar aggregate classification (germline): Likely pathogenic. Review status: criteria provided, multiple submitters, no conflicts (2 of 4 stars). 2 submissions from 2 submitters: Likely pathogenic (2). Last evaluated 2025-02-13.

Conditions:
Developmental and epileptic encephalopathy, 9 (DEE9). Also called: PCDH19-Related X-Linked Female-Limited Epilepsy with Mental Retardation; EPILEPSY, FEMALE-RESTRICTED, WITH MENTAL RETARDATION; Early infantile epileptic encephalopathy 9; JUBERG-HELLMAN SYNDROME. Identifiers: Orphanet 101039, Orphanet 2076, MedGen C1848137, MONDO:0010246, OMIM 300088. Disease mechanism: loss of function.

Submissions (2):

Labcorp Genetics (formerly Invitae), Labcorp
Classification: Likely pathogenic for Developmental and epileptic encephalopathy, 9. Last evaluated: 2025-02-13. Review status: criteria provided, single submitter. Criteria: Invitae Variant Classification Sherloc (09022015). Collection method: clinical testing. Allele origin: germline.
Comment: This sequence change replaces aspartic acid, which is acidic and polar, with asparagine, which is neutral and polar, at codon 121 of the PCDH19 protein (p.Asp121Asn). This variant is not present in population databases (gnomAD no frequency). This missense change has been observed in individual(s) with PCDH19-related conditions (PMID: 19214208, 33767182). ClinVar contains an entry for this variant (Variation ID: 427126). Invitae Evidence Modeling of protein sequence and biophysical properties (such as structural, functional, and spatial information, amino acid conservation, physicochemical variation, residue mobility, and thermodynamic stability) indicates that this missense variant is expected to disrupt PCDH19 protein function with a positive predictive value of 95%. This variant disrupts the p.Asp121 amino acid residue in PCDH19. Other variant(s) that disrupt this residue have been determined to be pathogenic (internal data). This suggests that this residue is clinically significant, and that variants that disrupt this residue are likely to be disease-causing. In summary, the currently available evidence indicates that the variant is pathogenic, but additional data are needed to prove that conclusively. Therefore, this variant has been classified as Likely Pathogenic.

GeneDx
Classification: Likely pathogenic. Last evaluated: 2015-05-27. Review status: criteria provided, single submitter. Criteria: GeneDx Variant Classification (06012015). Collection method: clinical testing. Allele origin: germline. Affected: yes.
Comment: In addition, de novo variants have been found in nearby residues in female patients referred to GeneDx for epilepsy genetic testing. It was not observed in approximately 6,400 individuals of European and African American ancestry in the NHLBI Exome Sequencing Project, indicating it is not a common benign variant in these populations. The D121N variant is a semi-conservative amino acid substitution, which may impact secondary protein structure as these residues differ in some properties. This substitution occurs at a conserved position predicted to be within the cadherin 1 domain of the PCDH19 protein. Therefore, this variant is a strong candidate for a pathogenic variant, however the possibility that it is a benign variant cannot be excluded.

Literature cited by the submitters: PubMed 19214208 (cited by Labcorp Genetics (formerly Invitae), Labcorp); PubMed 33767182 (cited by Labcorp Genetics (formerly Invitae), Labcorp).

NM_001184880.2(PCDH19):c.361G>A (p.Asp121Asn)

Gene: PCDH19 (protocadherin 19; minus strand). Cytogenetic location: Xq22.1.
Variant type: single nucleotide variant.
Coding change: c.361G>A on transcript NM_001184880.2 (MANE Select); coding-DNA position 361, G replaced by A.
Protein change: p.Asp121Asn; replaces aspartic acid 121 with asparagine.
Molecular consequence: missense variant.
Genome position (GRCh38, 1-based): chrX:100,408,237, C>T on the plus strand (G>A on the coding strand, the complement: PCDH19 is on the minus strand). VCF-style: chrX-100408237-C-T. GRCh37 (hg19) VCF-style: chrX-99663235-C-T.
Other names: c.361G>A, p.Asp121Asn (NM_001105243.2, NM_020766.3); short protein forms D121N.
Identifiers: ClinVar variation 427126 (VCV000427126.3), dbSNP rs796052795, ClinGen allele CA414010340.